The following is an entry in ClinVar:

NM_004370.6(COL12A1):c.3229A>T (p.Arg1077Trp)

Gene: COL12A1 (collagen type XII alpha 1 chain; minus strand). Cytogenetic location: 6q13.
Variant type: single nucleotide variant.
Coding change: c.3229A>T on transcript NM_004370.6 (MANE Select); coding-DNA position 3229, A replaced by T.
Protein change: p.Arg1077Trp; replaces arginine 1077 with tryptophan.
Molecular consequence: missense variant. On other transcripts: intron variant (2).
Genome position (GRCh38, 1-based): chr6:75,156,278, T>A on the plus strand (A>T on the coding strand, the complement: COL12A1 is on the minus strand). VCF-style: chr6-75156278-T-A. GRCh37 (hg19) VCF-style: chr6-75865994-T-A.
Other names: c.3229A>T, p.Arg1077Trp (NM_001424113.1, NM_001424114.1); c.2956A>T, p.Arg986Trp (NM_001424115.1); c.74-3796A>T (NM_001424116.1, NM_080645.3); short protein forms R1077W, R986W.
Identifiers: ClinVar variation 4848834 (VCV004848834.1).

ClinVar aggregate classification (germline): Uncertain significance (1 of 4 stars; one submission).

gnomAD v4.1: 1 of 1,613,900 alleles (0.000062%); highest among the groups gnomAD compares: Non-Finnish European, 0.000085%; no homozygotes.

Submission:

Women's Health and Genetics/Laboratory Corporation of America, LabCorp
Classification: Uncertain significance. Last evaluated: 2026-04-07. Review status: criteria provided, single submitter. Criteria: LabCorp Variant Classification Summary - May 2015. Collection method: clinical testing. Allele origin: germline.
Comment: Variant summary: COL12A1 c.3229A>T (p.Arg1077Trp) results in a non-conservative amino acid change in the encoded protein sequence. Algorithms developed to predict the effect of missense changes on protein structure and function are either unavailable or do not agree on the potential impact of this missense change. The variant was absent in 249184 control chromosomes. The available data on variant occurrences in the general population are insufficient to allow any conclusion about variant significance. To our knowledge, no occurrence of c.3229A>T in individuals affected with COL12A1-related conditions and no experimental evidence demonstrating its impact on protein function have been reported. No submitters have cited clinical-significance assessments for this variant to ClinVar. Based on the evidence outlined above, the variant was classified as uncertain significance.